The following is an entry in ClinVar:

ClinVar aggregate classification (germline): Uncertain significance (1 of 4 stars; one submission).

Conditions:
Cardiovascular phenotype. Identifiers: MedGen CN230736.

Submission:

Ambry Genetics
Classification: Uncertain significance for Cardiovascular phenotype. Last evaluated: 2023-09-18. Review status: criteria provided, single submitter. Criteria: Ambry Variant Classification Scheme 2023. Collection method: clinical testing. Allele origin: germline.
Comment: The c.432C>T variant (also known as p.G144G), located in coding exon 4 of the MYL3 gene, results from a C to T substitution at nucleotide position 432. This nucleotide substitution does not change the glycine at codon 144. This nucleotide position is not well conserved in available vertebrate species. In silico splice site analysis predicts that this alteration will result in the creation or strengthening of a novel splice donor site. Since supporting evidence is limited at this time, the clinical significance of this alteration remains unclear.

NM_000258.3(MYL3):c.432C>T (p.Gly144=)

Gene: MYL3 (myosin light chain 3; minus strand). Cytogenetic location: 3p21.31.
Variant type: single nucleotide variant.
Coding change: c.432C>T on transcript NM_000258.3 (MANE Select); coding-DNA position 432, C replaced by T.
Protein change: p.Gly144=; no amino-acid change (glycine 144 retained).
Molecular consequence: synonymous variant.
Genome position (GRCh38, 1-based): chr3:46,859,524, G>A on the plus strand (C>T on the coding strand, the complement: MYL3 is on the minus strand). VCF-style: chr3-46859524-G-A. GRCh37 (hg19) VCF-style: chr3-46901014-G-A.
Other names: c.432C>T, p.Gly144= (NM_001406937.1, NM_001406938.1, NM_001406939.1); c.258C>T, p.Gly86= (NM_001406940.1, NM_001406941.1).
Identifiers: ClinVar variation 2587154 (VCV002587154.2), dbSNP rs2544965046, ClinGen allele CA433474384.